The following is an entry in ClinVar:

ClinVar aggregate classification (germline): Uncertain significance (1 of 4 stars; one submission).

Submission:

Greenwood Genetic Center Diagnostic Laboratories, Greenwood Genetic Center
Classification: Uncertain significance. Last evaluated: 2024-03-06. Review status: criteria provided, single submitter. Criteria: ACMG Guidelines, 2015. Collection method: clinical testing. Allele origin: germline. Affected: yes.
Comment: Gene of Uncertain Significance

NM_006315.7(PCGF3):c.475_480del (p.Leu159_Glu160del)

Genes: PCGF3 (polycomb group ring finger 3; plus strand), PCGF3-AS1 (PCGF3 antisense RNA 1; minus strand). Cytogenetic location: 4p16.3.
Variant type: Deletion.
Coding change: c.475_480del on transcript NM_006315.7 (MANE Select); coding-DNA positions 475 to 480, 6 bases deleted (CTGGAG; older notation c.475_480delCTGGAG).
Protein change: p.Leu159_Glu160del.
Molecular consequence: inframe deletion. On other transcripts: non-coding transcript variant (1).
Genome position (GRCh38, 1-based): chr4:761,291-761,296, CTGGAG deleted. VCF-style (leftmost placement, unchanged base first): chr4-761290-CCTGGAG-C. GRCh37 (hg19) VCF-style: chr4-755078-CCTGGAG-C.
Other names: c.475_480del, p.Leu159_Glu160del (NM_001317836.3, NM_001395245.1, NM_001395246.1 and 3 more transcripts); c.373_378del, p.Leu125_Glu126del (NM_001395250.1, NM_001395251.1).
Identifiers: ClinVar variation 3235784 (VCV003235784.1), dbSNP rs2474914060, ClinGen allele CA2825001287.